The following is an entry in ClinVar:

NM_005751.5(AKAP9):c.10573A>G (p.Lys3525Glu)

Gene: AKAP9 (A-kinase anchoring protein 9; plus strand). Cytogenetic location: 7q21.2.
Variant type: single nucleotide variant.
Coding change: c.10573A>G on transcript NM_005751.5 (MANE Select); coding-DNA position 10573, A replaced by G.
Protein change: p.Lys3525Glu; replaces lysine 3525 with glutamic acid.
Molecular consequence: missense variant.
Genome position (GRCh38, 1-based): chr7:92,097,760, A>G. VCF-style: chr7-92097760-A-G. GRCh37 (hg19) VCF-style: chr7-91727074-A-G.
Other names: c.5218A>G, p.Lys1740Glu (NM_001379277.1); c.10549A>G, p.Lys3517Glu (NM_147185.3); short protein forms K1740E, K3525E, K3517E.
Identifiers: ClinVar variation 1778800 (VCV001778800.3), dbSNP rs1163076461, ClinGen allele CA368157240.
Genomic context (GRCh38, chr7:92,097,760, plus strand): 5'-GGAACCGGCTGTAATCATGAATTAGAAATGATCAGACAAAAGCTTCAATGTGTAGCTTCA[A>G]AACTACAGGTTCTACCCCAGAAAGCCTCTGAGAGGTTAGACTTTTCTGCCTGATCTTTGG-3'
Protein context (NP_005742.4, residues 3515-3535): IRQKLQCVAS[Lys3525Glu]LQVLPQKASE

ClinVar aggregate classification (germline): Uncertain significance (1 of 4 stars; one submission).

Conditions:
Cardiovascular phenotype. Identifiers: MedGen CN230736.

Allele frequency attached by ClinVar (database versions not stated): gnomAD 0.00001; gnomAD exomes below 0.00001; TOPMed below 0.00001.
gnomAD v4.1: 5 of 1,614,110 alleles (0.00031%); highest among the groups gnomAD compares: African/African-American, 0.0013%; no homozygotes.

Submission:

Ambry Genetics
Classification: Uncertain significance for Cardiovascular phenotype. Last evaluated: 2025-11-02. Review status: criteria provided, single submitter. Criteria: Ambry Variant Classification Scheme 2023. Collection method: clinical testing. Allele origin: germline.
Comment: The p.K3525E variant (also known as c.10573A>G), located in coding exon 42 of the AKAP9 gene, results from an A to G substitution at nucleotide position 10573. The lysine at codon 3525 is replaced by glutamic acid, an amino acid with similar properties. This amino acid position is conserved. In addition, this alteration is predicted to be tolerated by in silico analysis. Since supporting evidence is limited at this time, the clinical significance of this alteration remains unclear.